The following is an entry in ClinVar:

ClinVar aggregate classification (germline): Uncertain significance (1 of 4 stars; one submission).

Conditions:
Hereditary cancer-predisposing syndrome. Also called: Tumor predisposition; Hereditary neoplastic syndrome; Hereditary Cancer Syndrome; Neoplastic Syndromes, Hereditary. Identifiers: Orphanet 140162, MedGen C0027672, MeSH D009386, MONDO:0015356.

Submission:

Ambry Genetics
Classification: Uncertain significance for Hereditary cancer-predisposing syndrome. Last evaluated: 2023-12-07. Review status: criteria provided, single submitter. Criteria: Ambry Variant Classification Scheme 2023. Collection method: clinical testing. Allele origin: germline.
Comment: The c.4104_4106delTCA variant (also known as p.H1368del) is located in coding exon 28 of the ALK gene. This variant results from an in-frame TCA deletion at nucleotide positions 4104 to 4106. This results in the in-frame deletion of a histidine at codon 1368. This amino acid position is highly conserved in available vertebrate species. In addition, this alteration is predicted to be deleterious by in silico analysis (Choi Y et al. PLoS ONE. 2012; 7(10):e46688). Since supporting evidence is limited at this time, the clinical significance of this alteration remains unclear.

NM_004304.5(ALK):c.4104_4106del (p.His1368del)

Gene: ALK (ALK receptor tyrosine kinase; minus strand). Cytogenetic location: 2p23.2.
Variant type: Deletion.
Coding change: c.4104_4106del on transcript NM_004304.5 (MANE Select); coding-DNA positions 4104 to 4106, 3 bases deleted (TCA; older notation c.4104_4106delTCA).
Protein change: p.His1368del; deletes histidine 1368.
Molecular consequence: inframe deletion.
Genome position (GRCh38, 1-based): chr2:29,196,828-29,196,830, TGA deleted on the plus strand (TCA on the coding strand, the reverse complement: ALK is on the minus strand); deleting any 3 consecutive bases within chr2:29,196,828-29,196,832 gives the same sequence; the c. name uses the placement nearest the transcript's 3' end. VCF-style (leftmost placement, unchanged base first): chr2-29196827-CTGA-C. GRCh37 (hg19) VCF-style: chr2-29419693-CTGA-C.
Other names: c.900_902del, p.His300del (NM_001353765.2); short protein forms H1368del, H300del.
Identifiers: ClinVar variation 3223891 (VCV003223891.1), dbSNP rs2465880727, ClinGen allele CA2658457848.